The following is an entry in ClinVar:

ClinVar aggregate classification (germline): Uncertain significance (1 of 4 stars; one submission).

Submission:

GeneDx
Classification: Uncertain significance. Last evaluated: 2025-07-15. Review status: criteria provided, single submitter. Criteria: GeneDx Variant Classification Process June 2021. Collection method: clinical testing. Allele origin: germline. Affected: yes.
Comment: Not observed at significant frequency in large population cohorts (gnomAD); In silico analysis suggests that this missense variant does not alter protein structure/function; Has not been previously published as pathogenic or benign to our knowledge

NM_001081550.2(THOC2):c.1973C>T (p.Ala658Val)

Gene: THOC2 (THO complex subunit 2; minus strand). Cytogenetic location: Xq25.
Variant type: single nucleotide variant.
Coding change: c.1973C>T on transcript NM_001081550.2 (MANE Select); coding-DNA position 1973, C replaced by T.
Protein change: p.Ala658Val; replaces alanine 658 with valine.
Molecular consequence: missense variant.
Genome position (GRCh38, 1-based): chrX:123,636,124, G>A on the plus strand (C>T on the coding strand, the complement: THOC2 is on the minus strand). VCF-style: chrX-123636124-G-A. GRCh37 (hg19) VCF-style: chrX-122769975-G-A.
Other names: c.1973C>T, p.Ala658Val (NM_001441235.1, NM_001441236.1); short protein forms A658V.
Identifiers: ClinVar variation 4686448 (VCV004686448.1).